The following is an entry in ClinVar:

ClinVar aggregate classification (germline): Benign. Review status: reviewed by expert panel (3 of 4 stars). 3 submissions from 3 submitters: Benign (1). 2 of the submissions do not count toward it. Last evaluated 2023-11-13.

Conditions:
Hereditary thrombocytopenia and hematologic cancer predisposition syndrome. Identifiers: Orphanet 71290, MedGen CN281654, MONDO:0011071.

Allele frequency attached by ClinVar (database versions not stated): gnomAD exomes 0.02225 and 0.02228; 1000 Genomes Project 0.02776; 1000 Genomes Project 30x 0.02826; ExAC 0.03005; gnomAD 0.03464 and 0.03584; TOPMed 0.03476.
gnomAD v4.1: 17,746 of 712,028 alleles (2.5%); highest among the groups gnomAD compares: African/African-American, 6.6%; 335 homozygotes.

Submissions (3):

ClinGen Myeloid Malignancy Variant Curation Expert Panel
Classification: Benign for Hereditary thrombocytopenia and hematologic cancer predisposition syndrome. Last evaluated: 2023-11-13. Review status: reviewed by expert panel. Criteria: ClinGen MyeloMalig ACMG Specifications v2. Collection method: curation. Allele origin: germline. Inheritance: Autosomal dominant inheritance.
Comment: The c.805+186C>T variant is a deep intronic variant that is not predicted by SpliceAI to impact splicing (BP4); in addition, an evolutionary conservation algorithm predicts the site as being weakly conserved (PhyloP score = 0.0621969 in GRCh38) (BP7). The variant's highest population minor allele frequency in gnomAD v2 is 0.06817 (1055/15476 alleles) in the African/African American population, which is higher than the ClinGen Myeloid Malignancy threshold (>0.0015) for BA1; in addition, this allele count includes 43 homozygotes, and there are no reports of probands with homozygous pathogenic variants plus RUNX1-deficient mice are embryonic lethal (BP2). The variant may have been reported in the germline of a patient with MDS/MPN-U and other syndromic features related to a MECOM alteration (underwent WES trio analysis), but the carrier status of another family member was unpublished (PMID: 29097497); otherwise, the variant has not been reported in germline cases (PMID: 24211365) or functionally evaluated in the literature. In summary, this variant meets the criteria to be classified as benign for hereditary thrombocytopenia and hematologic cancer predisposition syndrome based on the ACMG/AMP criteria applied, as specified by the ClinGen Myeloid Malignancy VCEP: BA1, BP2, BP4, and BP7.

GeneDx
Classification: Benign. Last evaluated: 2018-06-23. Review status: criteria provided, single submitter. Criteria: GeneDx Variant Classification Process June 2021. Collection method: clinical testing. Allele origin: germline. Affected: yes. Not counted in ClinVar's aggregate classification.

Breakthrough Genomics
Classification: Benign. Review status: criteria provided, single submitter. Criteria: ACMG Guidelines, 2015. Collection method: not provided. Allele origin: germline. Inheritance: Autosomal dominant inheritance. Affected: yes. Not counted in ClinVar's aggregate classification.

NM_001754.5(RUNX1):c.805+186C>T

Gene: RUNX1 (RUNX family transcription factor 1; minus strand). Cytogenetic location: 21q22.12.
Variant type: single nucleotide variant.
Coding change: c.805+186C>T on transcript NM_001754.5 (MANE Select); 186 bases into the intron after coding-DNA position 805, C replaced by T.
Molecular consequence: intron variant.
Genome position (GRCh38, 1-based): chr21:34,834,224, G>A on the plus strand (C>T on the coding strand, the complement: RUNX1 is on the minus strand). VCF-style: chr21-34834224-G-A. GRCh37 (hg19) VCF-style: chr21-36206521-G-A.
Other names: c.724+186C>T (NM_001001890.3, NM_001122607.2).
Identifiers: ClinVar variation 1255350 (VCV001255350.4), dbSNP rs55789220, ClinGen allele CA10014327.